The following is an entry in ClinVar:

NM_001377229.1(DISP1):c.566C>T (p.Pro189Leu)

Gene: DISP1 (dispatched RND transporter family member 1; plus strand). Cytogenetic location: 1q41.
Variant type: single nucleotide variant.
Coding change: c.566C>T on transcript NM_001377229.1 (MANE Select); coding-DNA position 566, C replaced by T.
Protein change: p.Pro189Leu; replaces proline 189 with leucine.
Molecular consequence: missense variant. On other transcripts: 5 prime UTR variant (1).
Genome position (GRCh38, 1-based): chr1:222,990,651, C>T. VCF-style: chr1-222990651-C-T. GRCh37 (hg19) VCF-style: chr1-223163993-C-T.
Other names: c.566C>T (NM_032890.3); c.-322C>T (NM_001350630.2); c.566C>T, p.Pro189Leu (NM_001369594.1, NM_001377228.1, NM_032890.5); short protein forms P189L.
Identifiers: ClinVar variation 1334043 (VCV001334043.5), dbSNP rs200321673, ClinGen allele CA1408852.

ClinVar aggregate classification (germline): Conflicting classifications of pathogenicity. Review status: criteria provided, conflicting classifications (1 of 4 stars). 3 submissions from 3 submitters: Uncertain significance (2); Likely benign (1). Last evaluated 2026-09-20.

Conditions:
Microform holoprosencephaly. Identifiers: Orphanet 280200, MedGen C5393309, MONDO:0017219.

Allele frequency attached by ClinVar (database versions not stated): gnomAD 0.00009 and 0.00007; ExAC 0.00010; ESP Exome Variant Server 0.00008; gnomAD exomes 0.00013 and 0.00006; TOPMed 0.00005.
gnomAD v4.1: 108 of 1,613,944 alleles (0.0067%); highest among the groups gnomAD compares: Admixed American, 0.01%; no homozygotes.

Submissions (3):

GeneDx
Classification: Uncertain significance. Last evaluated: 2026-09-20. Review status: criteria provided, single submitter. Criteria: GeneDx Variant Classification Process June 2021. Collection method: clinical testing. Allele origin: germline.
Comment: In silico analysis supports that this missense variant has a deleterious effect on protein structure/function; This variant is associated with the following publications: (PMID: 38529886)

Labcorp Genetics (formerly Invitae), Labcorp
Classification: Likely benign. Last evaluated: 2024-12-07. Review status: criteria provided, single submitter. Criteria: Invitae Variant Classification Sherloc (09022015). Collection method: clinical testing. Allele origin: germline.

CENTOGENE GmbH and LLC - Guiding Precision Medicine
Classification: Uncertain significance for Microform holoprosencephaly. Last evaluated: 2019-08-30. Review status: criteria provided, single submitter. Criteria: ACMG Guidelines, 2015. Collection method: clinical testing. Allele origin: maternal.